The following is an entry in ClinVar:

ClinVar aggregate classification (germline): Likely pathogenic (1 of 4 stars; one submission).

Submission:

Labcorp Genetics (formerly Invitae), Labcorp
Classification: Likely pathogenic. Last evaluated: 2022-04-22. Review status: criteria provided, single submitter. Criteria: Invitae Variant Classification Sherloc (09022015). Collection method: clinical testing. Allele origin: germline.
Comment: This variant has not been reported in the literature in individuals affected with NPHS1-related conditions. This variant is not present in population databases (gnomAD no frequency). This sequence change replaces aspartic acid, which is acidic and polar, with alanine, which is neutral and non-polar, at codon 105 of the NPHS1 protein (p.Asp105Ala). Advanced modeling of protein sequence and biophysical properties (such as structural, functional, and spatial information, amino acid conservation, physicochemical variation, residue mobility, and thermodynamic stability) performed at Invitae indicates that this missense variant is expected to disrupt NPHS1 protein function. In summary, the currently available evidence indicates that the variant is pathogenic, but additional data are needed to prove that conclusively. Therefore, this variant has been classified as Likely Pathogenic. This variant disrupts the p.Asp105 amino acid residue in NPHS1. Other variant(s) that disrupt this residue have been determined to be pathogenic (PMID: 25349199, 28204945; Invitae). This suggests that this residue is clinically significant, and that variants that disrupt this residue are likely to be disease-causing.

Literature cited by the submitters: PubMed 25349199; PubMed 28204945.

NM_004646.4(NPHS1):c.314A>C (p.Asp105Ala)

Gene: NPHS1 (NPHS1 adhesion molecule, nephrin; minus strand). Cytogenetic location: 19q13.12.
Variant type: single nucleotide variant.
Coding change: c.314A>C on transcript NM_004646.4 (MANE Select); coding-DNA position 314, A replaced by C.
Protein change: p.Asp105Ala; replaces aspartic acid 105 with alanine.
Molecular consequence: missense variant.
Genome position (GRCh38, 1-based): chr19:35,851,345, T>G on the plus strand (A>C on the coding strand, the complement: NPHS1 is on the minus strand). VCF-style: chr19-35851345-T-G. GRCh37 (hg19) VCF-style: chr19-36342247-T-G.
Other names: short protein forms D105A.
Identifiers: ClinVar variation 2129116 (VCV002129116.4), dbSNP rs2513785055, ClinGen allele CA405410950.